The following is an entry in ClinVar:

ClinVar aggregate classification (germline): Uncertain significance (1 of 4 stars; one submission).

Conditions:
Tuberous sclerosis 2 (TSC2). Identifiers: Orphanet 805, MedGen C1860707, MONDO:0013199, OMIM 613254.

Submission:

Labcorp Genetics (formerly Invitae), Labcorp
Classification: Uncertain significance for Tuberous sclerosis 2. Last evaluated: 2024-10-30. Review status: criteria provided, single submitter. Criteria: Invitae Variant Classification Sherloc (09022015). Collection method: clinical testing. Allele origin: germline.
Comment: This sequence change replaces tryptophan, which is neutral and slightly polar, with arginine, which is basic and polar, at codon 1740 of the TSC2 protein (p.Trp1740Arg). This variant is not present in population databases (gnomAD no frequency). This variant has not been reported in the literature in individuals affected with TSC2-related conditions. Invitae Evidence Modeling of protein sequence and biophysical properties (such as structural, functional, and spatial information, amino acid conservation, physicochemical variation, residue mobility, and thermodynamic stability) indicates that this missense variant is expected to disrupt TSC2 protein function with a positive predictive value of 95%. In summary, the available evidence is currently insufficient to determine the role of this variant in disease. Therefore, it has been classified as a Variant of Uncertain Significance.

NM_000548.5(TSC2):c.5218T>A (p.Trp1740Arg)

Gene: TSC2 (TSC complex subunit 2; plus strand). Cytogenetic location: 16p13.3.
Variant type: single nucleotide variant.
Coding change: c.5218T>A on transcript NM_000548.5 (MANE Select); coding-DNA position 5218, T replaced by A.
Protein change: p.Trp1740Arg; replaces tryptophan 1740 with arginine.
Molecular consequence: missense variant. On other transcripts: non-coding transcript variant (5).
Genome position (GRCh38, 1-based): chr16:2,088,284, T>A. VCF-style: chr16-2088284-T-A. GRCh37 (hg19) VCF-style: chr16-2138285-T-A.
Other names: c.5017T>A, p.Trp1673Arg (NM_001077183.3); c.5149T>A, p.Trp1717Arg (NM_001114382.3); c.4909T>A, p.Trp1637Arg (NM_001318827.2); c.4873T>A, p.Trp1625Arg (NM_001318829.2); c.4486T>A, p.Trp1496Arg (NM_001318831.2); c.5050T>A, p.Trp1684Arg (NM_001318832.2); c.5020T>A, p.Trp1674Arg (NM_001363528.2); c.5086T>A, p.Trp1696Arg (NM_001370404.1); and 27 more; short protein forms W1249R, W1269R, W1474R, W1624R, W1637R, W1654R, W1668R, W1674R.
Identifiers: ClinVar variation 3637263 (VCV003637263.2).